The following is an entry in ClinVar:

ClinVar aggregate classification (germline): Likely benign (0 of 4 stars; one submission).

Conditions:
ABCC2-related disorder. Also called: ABCC2-related condition.

Submission:

PreventionGenetics, part of Exact Sciences
Classification: Likely benign for ABCC2-related condition. Last evaluated: 2021-10-18. Review status: no assertion criteria provided. Collection method: clinical testing. Allele origin: germline.
Comment: This variant is classified as likely benign based on ACMG/AMP sequence variant interpretation guidelines (Richards et al. 2015 PMID: 25741868, with internal and published modifications).

NM_000392.5(ABCC2):c.2791T>C (p.Leu931=)

Genes: ABCC2 (ATP binding cassette subfamily C member 2; plus strand), LOC126861012 (BRD4-independent group 4 enhancer GRCh37_chr10:101589748-101590947; plus strand). Cytogenetic location: 10q24.2.
Variant type: single nucleotide variant.
Coding change: c.2791T>C on transcript NM_000392.5 (MANE Select); coding-DNA position 2791, T replaced by C.
Protein change: p.Leu931=; no amino-acid change (leucine 931 retained).
Molecular consequence: synonymous variant.
Genome position (GRCh38, 1-based): chr10:99,830,759, T>C. VCF-style: chr10-99830759-T-C. GRCh37 (hg19) VCF-style: chr10-101590516-T-C.
Identifiers: ClinVar variation 3054632 (VCV003054632.2), dbSNP rs1237614432, ClinGen allele CA471131463.
Genomic context (GRCh38, chr10:99,830,759, plus strand): 5'-AAGCTTCCCTCTCTCAGTTCTAGGTCCAATGGCAGGCATCTGAAGTCCCTGAGAAACTCC[T>C]TGAAAACTCGGAATGTGAATAGCCTGAAGGAAGACGAAGAACTAGTGAAAGGACAAAAAC-3'
Protein context (NP_000383.2, residues 921-941): GRHLKSLRNS[Leu931=]KTRNVNSLKE